The following is an entry in ClinVar:

NM_005529.7(HSPG2):c.8777C>T (p.Pro2926Leu)

Gene: HSPG2 (heparan sulfate proteoglycan 2; minus strand). Cytogenetic location: 1p36.12.
Variant type: single nucleotide variant.
Coding change: c.8777C>T on transcript NM_005529.7 (MANE Select); coding-DNA position 8777, C replaced by T.
Protein change: p.Pro2926Leu; replaces proline 2926 with leucine.
Molecular consequence: missense variant.
Genome position (GRCh38, 1-based): chr1:21,842,903, G>A on the plus strand (C>T on the coding strand, the complement: HSPG2 is on the minus strand). VCF-style: chr1-21842903-G-A. GRCh37 (hg19) VCF-style: chr1-22169396-G-A.
Other names: c.8780C>T, p.Pro2927Leu (NM_001291860.2); short protein forms P2926L, P2927L.
Identifiers: ClinVar variation 2094942 (VCV002094942.6), dbSNP rs747645588, ClinGen allele CA670656.

ClinVar aggregate classification (germline): Conflicting classifications of pathogenicity. Review status: criteria provided, conflicting classifications (1 of 4 stars). 2 submissions from 2 submitters: Uncertain significance (1); Likely benign (1). Last evaluated 2026-08-31.

Conditions:
Inborn genetic diseases. Identifiers: MedGen C0950123, MeSH D030342.

Allele frequency attached by ClinVar (database versions not stated): gnomAD 0.00001.
gnomAD v4.1: 3 of 1,614,034 alleles (0.00019%); highest among the groups gnomAD compares: Admixed American, 0.005%; no homozygotes.

Submissions (2):

Ambry Genetics
Classification: Likely benign for Inborn genetic diseases. Last evaluated: 2026-08-31. Review status: criteria provided, single submitter. Criteria: Ambry Variant Classification Scheme 2023. Collection method: clinical testing. Allele origin: germline.

Labcorp Genetics (formerly Invitae), Labcorp
Classification: Uncertain significance. Last evaluated: 2022-03-12. Review status: criteria provided, single submitter. Criteria: Invitae Variant Classification Sherloc (09022015). Collection method: clinical testing. Allele origin: germline.
Comment: In summary, the available evidence is currently insufficient to determine the role of this variant in disease. Therefore, it has been classified as a Variant of Uncertain Significance. Algorithms developed to predict the effect of missense changes on protein structure and function are either unavailable or do not agree on the potential impact of this missense change (SIFT: "Deleterious"; PolyPhen-2: "Benign"; Align-GVGD: "Class C0"). This variant has not been reported in the literature in individuals affected with HSPG2-related conditions. This variant is present in population databases (rs747645588, gnomAD 0.003%). This sequence change replaces proline, which is neutral and non-polar, with leucine, which is neutral and non-polar, at codon 2926 of the HSPG2 protein (p.Pro2926Leu).